The following is an entry in ClinVar:

NM_005142.3(CBLIF):c.510A>T (p.Val170=)

Gene: CBLIF (cobalamin binding intrinsic factor; minus strand). Cytogenetic location: 11q12.1.
Variant type: single nucleotide variant.
Coding change: c.510A>T on transcript NM_005142.3 (MANE Select); coding-DNA position 510, A replaced by T.
Protein change: p.Val170=; no amino-acid change (valine 170 retained).
Molecular consequence: synonymous variant.
Genome position (GRCh38, 1-based): chr11:59,842,444, T>A on the plus strand (A>T on the coding strand, the complement: CBLIF is on the minus strand). VCF-style: chr11-59842444-T-A. GRCh37 (hg19) VCF-style: chr11-59609917-T-A.
Identifiers: ClinVar variation 2172897 (VCV002172897.4), dbSNP rs1866545534, ClinGen allele CA474656206.

ClinVar aggregate classification (germline): Uncertain significance (1 of 4 stars; one submission).

Conditions:
Hereditary intrinsic factor deficiency (IFD). Also called: Congenital intrinsic factor deficiency; PERNICIOUS ANEMIA, CONGENITAL, DUE TO DEFECT OF INTRINSIC FACTOR. Identifiers: Orphanet 332, MedGen C2062370, MONDO:0009852, OMIM 261000.

Submission:

Labcorp Genetics (formerly Invitae), Labcorp
Classification: Uncertain significance for Hereditary intrinsic factor deficiency. Last evaluated: 2024-05-15. Review status: criteria provided, single submitter. Criteria: Invitae Variant Classification Sherloc (09022015). Collection method: clinical testing. Allele origin: germline.
Comment: This sequence change affects codon 170 of the GIF mRNA. It is a 'silent' change, meaning that it does not change the encoded amino acid sequence of the GIF protein. It affects a nucleotide within the consensus splice site. This variant is not present in population databases (gnomAD no frequency). This variant has not been reported in the literature in individuals affected with GIF-related conditions. ClinVar contains an entry for this variant (Variation ID: 2172897). Algorithms developed to predict the effect of sequence changes on RNA splicing suggest that this variant is not likely to affect RNA splicing. In summary, the available evidence is currently insufficient to determine the role of this variant in disease. Therefore, it has been classified as a Variant of Uncertain Significance.